The following is an entry in ClinVar:

ClinVar aggregate classification (germline): Pathogenic/Likely pathogenic. Review status: criteria provided, multiple submitters, no conflicts (2 of 4 stars). 4 submissions from 4 submitters: Pathogenic (1); Likely pathogenic (1). 2 of the submissions do not count toward it. Last evaluated 2023-08-22.

Conditions:
Fanconi anemia (FA). Also called: Fanconi's anemia. Identifiers: Orphanet 84, MedGen C0015625, MeSH D005199, MONDO:0019391.
Fanconi anemia complementation group A (FANCA). Also called: FANCA-Related Fanconi Anemia; Fanconi anemia, group A. Identifiers: Orphanet 84, MedGen C3469521, MONDO:0009215, OMIM 227650.

gnomAD v4.1: 6 of 1,613,898 alleles (0.00037%); highest among the groups gnomAD compares: Non-Finnish European, 0.00042%; no homozygotes.

Submissions (4):

Labcorp Genetics (formerly Invitae), Labcorp
Classification: Likely pathogenic for Fanconi anemia. Last evaluated: 2023-08-22. Review status: criteria provided, single submitter. Criteria: Invitae Variant Classification Sherloc (09022015). Collection method: clinical testing. Allele origin: germline.
Comment: This sequence change affects a donor splice site in intron 31 of the FANCA gene. It is expected to disrupt RNA splicing. Variants that disrupt the donor or acceptor splice site typically lead to a loss of protein function (PMID: 16199547), and loss-of-function variants in FANCA are known to be pathogenic (PMID: 19367192). This variant is not present in population databases (gnomAD no frequency). In summary, the currently available evidence indicates that the variant is pathogenic, but additional data are needed to prove that conclusively. Therefore, this variant has been classified as Likely Pathogenic. Algorithms developed to predict the effect of sequence changes on RNA splicing suggest that this variant may disrupt the consensus splice site. ClinVar contains an entry for this variant (Variation ID: 156400). Disruption of this splice site has been observed in individual(s) with Fanconi anemia (PMID: 25953249, 34585473).

Neuberg Centre For Genomic Medicine, NCGM
Classification: Pathogenic for Fanconi anemia complementation group A. Review status: criteria provided, single submitter. Criteria: ACMG Guidelines, 2015. Collection method: clinical testing. Allele origin: germline. Inheritance: Autosomal recessive inheritance. Affected: yes.
Comment: The splice site c.3066+1G>T variant in the FANCA gene has been reported in homozygous state in an individual affected with Fanconi anemia (Solomon PJ. et al., 2015). The variant is novel (not in any individuals) in gnomAD Exomes and 1000 Genomes. It has been submitted to ClinVar as Likely Pathogenic. The variant affects the invariant GT donor splice site. For these reasons, this variant has been classified as Pathogenic.

Counsyl
Classification: Likely pathogenic for Fanconi anemia complementation group A. Last evaluated: 2017-10-17. Review status: no assertion criteria provided. Collection method: clinical testing. Allele origin: unknown. Not counted in ClinVar's aggregate classification.

Molecular Diagnostics Laboratory, Seoul National University Hospital
Classification: Pathogenic for Fanconi Anemia. Last evaluated: 2014-09-18. Review status: no assertion criteria provided. Collection method: clinical testing. Allele origin: germline. Affected: yes. Observed: 1 homozygote. Not counted in ClinVar's aggregate classification.

Literature cited by the submitters: PubMed 16199547 (cited by Labcorp Genetics (formerly Invitae), Labcorp); PubMed 19367192 (cited by Labcorp Genetics (formerly Invitae), Labcorp); PubMed 25953249 (cited by Labcorp Genetics (formerly Invitae), Labcorp and Counsyl); PubMed 34585473 (cited by Labcorp Genetics (formerly Invitae), Labcorp).

NM_000135.4(FANCA):c.3066+1G>T

Gene: FANCA (FA complementation group A; minus strand). Cytogenetic location: 16q24.3.
Variant type: single nucleotide variant.
Coding change: c.3066+1G>T on transcript NM_000135.4 (MANE Select); the canonical splice donor site of the intron after coding-DNA position 3066, G replaced by T.
Molecular consequence: splice donor variant.
Genome position (GRCh38, 1-based): chr16:89,752,137, C>A on the plus strand (G>T on the coding strand, the complement: FANCA is on the minus strand). VCF-style: chr16-89752137-C-A. GRCh37 (hg19) VCF-style: chr16-89818545-C-A.
Other names: c.3066+1G>T (NM_001286167.3).
Identifiers: ClinVar variation 156400 (VCV000156400.5), dbSNP rs587783028, ClinGen allele CA270800.